The following is an entry in ClinVar:

NM_018122.5(DARS2):c.473A>T (p.Glu158Val)

Gene: DARS2 (aspartyl-tRNA synthetase 2, mitochondrial; plus strand). Cytogenetic location: 1q25.1.
Variant type: single nucleotide variant.
Coding change: c.473A>T on transcript NM_018122.5 (MANE Select); coding-DNA position 473, A replaced by T.
Protein change: p.Glu158Val; replaces glutamic acid 158 with valine.
Molecular consequence: missense variant.
Genome position (GRCh38, 1-based): chr1:173,831,611, A>T. VCF-style: chr1-173831611-A-T. GRCh37 (hg19) VCF-style: chr1-173800749-A-T.
Other names: NM_018122.5(DARS2):c.473A>T; p.Glu158Val; c.473A>T, p.Glu158Val (NM_001365212.1, NM_001365213.2); short protein forms E158V.
Identifiers: ClinVar variation 1303066 (VCV001303066.3), dbSNP rs1395997099, ClinGen allele CA343759338.

ClinVar aggregate classification (germline): Uncertain significance. Review status: criteria provided, multiple submitters, no conflicts (2 of 4 stars). 2 submissions from 2 submitters: Uncertain significance (2). Last evaluated 2025-01-21.

Conditions:
Leukoencephalopathy with brain stem and spinal cord involvement-high lactate syndrome (LBSL). Also called: LEUKOENCEPHALOPATHY WITH BRAINSTEM AND SPINAL CORD INVOLVEMENT AND LACTATE ELEVATION, MILD; MITOCHONDRIAL ASPARTYL-tRNA SYNTHETASE DEFICIENCY; Leukoencephalopathy with Brainstem and Spinal Cord Involvement and Lactate Elevation. Identifiers: Orphanet 137898, MedGen C1970180, MONDO:0012622, OMIM 611105.

Allele frequency attached by ClinVar (database versions not stated): TOPMed 0.00001; gnomAD 0.00001.
gnomAD v4.1: 1 of 1,613,850 alleles (0.000062%); highest among the groups gnomAD compares: Non-Finnish European, 0.000085%; no homozygotes.

Submissions (2):

Broad Center for Mendelian Genomics, Broad Institute of MIT and Harvard
Classification: Uncertain significance for Leukoencephalopathy with brain stem and spinal cord involvement-high lactate syndrome. Last evaluated: 2025-01-21. Review status: criteria provided, single submitter. Criteria: ACMG Guidelines, 2015. Collection method: curation. Allele origin: germline. Inheritance: Autosomal recessive inheritance.
Comment: The p.Glu158Val variant in DARS2 has been reported in 2 individuals with leukoencephalopathy with brain stem and spinal cord involvement-high lactate syndrome (PMID: 22843165, 35820270, 37563224), and has been identified in 0.00008% (1/1179836) of European (non-Finnish) chromosomes by the Genome Aggregation Database (gnomAD; dbSNP rs1395997099). Although this variant has been seen in the general population in a heterozygous state, its frequency is low enough to be consistent with a recessive carrier frequency. This variant has also been reported in ClinVar (Variation ID: 1303066) and has been interpreted as a variant of uncertain significance by GeneDx. Of the 3 affected individuals, 1 was a compound heterozygote that carried a reported pathogenic variant with unknown phase, which increases the likelihood that the p.Glu158Val variant is pathogenic (Variation ID: 1062; PMID: 22843165). In vitro functional studies provide some evidence that the p.Glu158Val variant may slightly impact protein function (PMID: 35820270). However, these types of assays may not accurately represent biological function. Computational prediction tools and conservation analyses suggest that this variant may impact the protein, though this information is not predictive enough to determine pathogenicity. In summary, the clinical significance of the p.Glu158Val variant is uncertain. ACMG/AMP Criteria applied: PS3_supporting, PP3, PM2_supporting, PM3_supporting (Richards 2015).

GeneDx
Classification: Uncertain significance. Last evaluated: 2019-05-29. Review status: criteria provided, single submitter. Criteria: GeneDx Variant Classification Process June 2021. Collection method: clinical testing. Allele origin: germline. Affected: yes.
Comment: Not observed at a significant frequency in large population cohorts (Lek et al., 2016); In silico analysis, which includes protein predictors and evolutionary conservation, supports a deleterious effect; Observed with a pathogenic variant in a patient with LBSL in the published literature, but segregation data was absent (Moore et al., 2012); This variant is associated with the following publications: (PMID: 22843165)